The following is an entry in ClinVar:

ClinVar aggregate classification (germline): Likely benign (1 of 4 stars; one submission).

Allele frequency attached by ClinVar (database versions not stated): gnomAD exomes below 0.00001.
gnomAD v4.1: 1 of 1,614,200 alleles (0.000062%); highest among the groups gnomAD compares: Admixed American, 0.0017%; no homozygotes.

Submission:

GeneDx
Classification: Likely benign. Last evaluated: 2015-10-28. Review status: criteria provided, single submitter. Criteria: GeneDx Variant Classification (06012015). Collection method: clinical testing. Allele origin: germline. Affected: yes.
Comment: This variant is considered likely benign or benign based on one or more of the following criteria: it is a conservative change, it occurs at a poorly conserved position in the protein, it is predicted to be benign by multiple in silico algorithms, and/or has population frequency not consistent with disease.

NM_001148.6(ANK2):c.3054T>C (p.Pro1018=)

Gene: ANK2 (ankyrin 2; plus strand). Cytogenetic location: 4q26.
Variant type: single nucleotide variant.
Coding change: c.3054T>C on transcript NM_001148.6 (MANE Select); coding-DNA position 3054, T replaced by C.
Protein change: p.Pro1018=; no amino-acid change (proline 1018 retained).
Molecular consequence: synonymous variant.
Genome position (GRCh38, 1-based): chr4:113,330,399, T>C. VCF-style: chr4-113330399-T-C. GRCh37 (hg19) VCF-style: chr4-114251555-T-C.
Other names: c.3027T>C, p.Pro1009= (NM_001127493.3); c.3066T>C, p.Pro1022= (NM_001354225.2); c.3054T>C, p.Pro1018= (NM_001354228.2, NM_001354258.2, NM_020977.5); c.3132T>C, p.Pro1044= (NM_001354230.2, NM_001354237.2); c.3096T>C, p.Pro1032= (NM_001354231.2, NM_001354242.2); c.3090T>C, p.Pro1030= (NM_001354232.2); c.3051T>C, p.Pro1017= (NM_001354235.2, NM_001354236.2, NM_001354246.2 and 1 more transcripts); c.3024T>C, p.Pro1008= (NM_001354239.2, NM_001354252.2, NM_001354272.2); and 23 more.
Identifiers: ClinVar variation 381043 (VCV000381043.1), dbSNP rs1057520938, ClinGen allele CA16605026.